The following is an entry in ClinVar:

NM_201384.3(PLEC):c.12026G>A (p.Arg4009His)

Gene: PLEC (plectin; minus strand). Cytogenetic location: 8q24.3.
Variant type: single nucleotide variant.
Coding change: c.12026G>A on transcript NM_201384.3 (MANE Select); coding-DNA position 12026, G replaced by A.
Protein change: p.Arg4009His; replaces arginine 4009 with histidine.
Molecular consequence: missense variant.
Genome position (GRCh38, 1-based): chr8:143,917,795, C>T on the plus strand (G>A on the coding strand, the complement: PLEC is on the minus strand). VCF-style: chr8-143917795-C-T. GRCh37 (hg19) VCF-style: chr8-144991963-C-T.
Other names: c.12107G>A, p.Arg4036His (NM_000445.5); c.11984G>A, p.Arg3995His (NM_201378.4); c.11960G>A, p.Arg3987His (NM_201379.3); c.12437G>A, p.Arg4146His (NM_201380.4); c.11930G>A, p.Arg3977His (NM_201381.3); c.12026G>A, p.Arg4009His (NM_201382.4); c.12038G>A, p.Arg4013His (NM_201383.3); short protein forms R3977H, R3995H, R4036H, R4146H, R3987H, R4009H, R4013H.
Identifiers: ClinVar variation 805207 (VCV000805207.11), dbSNP rs564907731, ClinGen allele CA4924193.

ClinVar aggregate classification (germline): Uncertain significance. Review status: criteria provided, multiple submitters, no conflicts (2 of 4 stars). 3 submissions from 3 submitters: Uncertain significance (3). Last evaluated 2025-10-02.

Conditions:
Epidermolysis bullosa simplex with nail dystrophy (EBS5D). Identifiers: MedGen C4225309, MONDO:0014661, OMIM 616487.
Epidermolysis bullosa simplex, Ogna type (EBS5A). Also called: Pidermolysis bullosa simplex 5A, Ogna type; EPIDERMOLYSIS BULLOSA SIMPLEX 5A, OGNA TYPE. Identifiers: Orphanet 79401, MedGen C0432317, MONDO:0007555, OMIM 131950.
Epidermolysis bullosa simplex 5C, with pyloric atresia (EBS5C). Also called: PLEC-Related Epidermolysis Bullosa with Pyloric Atresia; PLEC1-Related Epidermolysis Bullosa with Pyloric Atresia; Epidermolysis bullosa simplex with pyloric atresia. Identifiers: Orphanet 158684, MedGen C2677349, MONDO:0012807, OMIM 612138.
Autosomal recessive limb-girdle muscular dystrophy type 2Q (LGMDR17). Also called: MUSCULAR DYSTROPHY, LIMB-GIRDLE, AUTOSOMAL RECESSIVE 17. Identifiers: Orphanet 254361, MedGen C3150989, MONDO:0013390, OMIM 613723.
Epidermolysis bullosa simplex 5B, with muscular dystrophy (EBS5B). Also called: EPIDERMOLYSIS BULLOSA SIMPLEX AND LIMB-GIRDLE MUSCULAR DYSTROPHY; Epidermolysis bullosa simplex with muscular dystrophy. Identifiers: Orphanet 257, MedGen C2931072, MONDO:0009181, OMIM 226670.

Allele frequency attached by ClinVar (database versions not stated): gnomAD 0.00001; gnomAD exomes 0.00004 and 0.00007; TOPMed 0.00006; ExAC 0.00009.
gnomAD v4.1: 63 of 1,613,430 alleles (0.0039%); highest among the groups gnomAD compares: Middle Eastern, 0.016%; no homozygotes.

Submissions (3):

Labcorp Genetics (formerly Invitae), Labcorp
Classification: Uncertain significance for Autosomal recessive limb-girdle muscular dystrophy type 2Q; Epidermolysis bullosa simplex, Ogna type; Epidermolysis bullosa simplex with nail dystrophy; Epidermolysis bullosa simplex 5C, with pyloric atresia; Epidermolysis bullosa simplex 5B, with muscular dystrophy. Last evaluated: 2025-10-02. Review status: criteria provided, single submitter. Criteria: Invitae Variant Classification Sherloc (09022015). Collection method: clinical testing. Allele origin: germline.
Comment: This sequence change replaces arginine, which is basic and polar, with histidine, which is basic and polar, at codon 4036 of the PLEC protein (p.Arg4036His). This variant is present in population databases (rs564907731, gnomAD 0.06%). This variant has not been reported in the literature in individuals affected with PLEC-related conditions. ClinVar contains an entry for this variant (Variation ID: 805207). Invitae Evidence Modeling of protein sequence and biophysical properties (such as structural, functional, and spatial information, amino acid conservation, physicochemical variation, residue mobility, and thermodynamic stability) has been performed for this missense variant. However, the output from this modeling did not meet the statistical confidence thresholds required to predict the impact of this variant on PLEC protein function. In summary, the available evidence is currently insufficient to determine the role of this variant in disease. Therefore, it has been classified as a Variant of Uncertain Significance.

Revvity Omics, Revvity
Classification: Uncertain significance. Last evaluated: 2023-06-27. Review status: criteria provided, single submitter. Criteria: ACMG Guidelines, 2015. Collection method: clinical testing. Allele origin: germline.

Athena Diagnostics
Classification: Uncertain significance. Last evaluated: 2018-12-26. Review status: criteria provided, single submitter. Criteria: Athena Diagnostics Criteria. Collection method: clinical testing. Allele origin: germline.